The following is an entry in ClinVar:

NM_015570.4(AUTS2):c.1530_1689+690del

Gene: AUTS2 (activator of transcription and developmental regulator AUTS2; plus strand). Cytogenetic location: 7q11.22.
Variant type: Deletion.
Coding change: c.1530_1689+690del on transcript NM_015570.4 (MANE Select); coding-DNA position 1530 through 690 bases into the intron after coding-DNA position 1689, 850 bases deleted.
Molecular consequence: splice donor variant.
Genome position (GRCh38, 1-based): chr7:70,766,175-70,767,024, 850 bases deleted. GRCh37 (hg19): chr7:70,231,161-70,232,010.
Other names: c.1530_1689+690del (NM_001127231.3).
Identifiers: ClinVar variation 2708355 (VCV002708355.3), dbSNP rs2484682228, ClinGen allele CA2697557293.

ClinVar aggregate classification (germline): Pathogenic (1 of 4 stars; one submission).

Submission:

Labcorp Genetics (formerly Invitae), Labcorp
Classification: Pathogenic. Last evaluated: 2024-01-08. Review status: criteria provided, single submitter. Criteria: Invitae Variant Classification Sherloc (09022015). Collection method: clinical testing. Allele origin: germline.
Comment: This variant results in the deletion of part of exon 9 (c.1530_1689+690del) of the AUTS2 gene. It is expected to disrupt RNA splicing. Variants that disrupt the donor or acceptor splice site typically lead to a loss of protein function (PMID: 16199547), and loss-of-function variants in AUTS2 are known to be pathogenic (PMID: 25205402, 27075013). This variant is not present in population databases (gnomAD no frequency). This variant has not been reported in the literature in individuals affected with AUTS2-related conditions. This variant disrupts a region of the AUTS2 protein in which other variant(s) (p.Thr534Pro) have been determined to be pathogenic (PMID: 35802027). This suggests that this is a clinically significant region of the protein, and that variants that disrupt it are likely to be disease-causing. For these reasons, this variant has been classified as Pathogenic.

Literature cited by the submitters: PubMed 16199547; PubMed 25205402; PubMed 27075013; PubMed 35802027.